The following is an entry in ClinVar:

NM_001128126.3(AP4S1):c.306+2931_306+2938dup

Gene: AP4S1 (adaptor related protein complex 4 subunit sigma 1; plus strand). Cytogenetic location: 14q12.
Variant type: Duplication.
Coding change: c.306+2931_306+2938dup on transcript NM_001128126.3 (MANE Select); bases 2931 to 2938 of the intron after coding-DNA position 306, 8 bases duplicated (TTTTTTTT; older notation c.306+2931_306+2938dupTTTTTTTT).
Molecular consequence: intron variant.
Genome position (GRCh38, 1-based): chr14:31,083,515-31,083,522, TTTTTTTT duplicated; duplicating any 8 consecutive bases within chr14:31,083,497-31,083,522 gives the same sequence; the c. name uses the placement nearest the transcript's 3' end. VCF-style (leftmost placement, unchanged base first): chr14-31083496-C-CTTTTTTTT. GRCh37 (hg19) VCF-style: chr14-31552702-C-CTTTTTTTT.
Other names: c.306+2931_306+2938dup (NM_001254729.2, NM_001254728.2); c.367-11_367-4dup (NM_001254727.2); c.367-1254_367-1247dup (NM_007077.5); c.295-1254_295-1247dup (NM_001254726.2).
Identifiers: ClinVar variation 4980538 (VCV004980538.1).

ClinVar aggregate classification (germline): Likely benign (1 of 4 stars; one submission).

Conditions:
AP4S1-related disorder.

Submission:

PreventionGenetics, part of Exact Sciences
Classification: Likely benign for AP4S1-related condition. Last evaluated: 2026-09-01. Review status: criteria provided, single submitter. Criteria: ACMG Guidelines, 2015. Collection method: clinical testing. Allele origin: germline.
Comment: This variant is classified as likely benign based on ACMG/AMP sequence variant interpretation guidelines (Richards et al. 2015 PMID: 25741868, with internal and published modifications).